The following is an entry in ClinVar:

ClinVar aggregate classification (germline): Uncertain significance. Review status: criteria provided, multiple submitters, no conflicts (2 of 4 stars). 9 submissions from 9 submitters: Uncertain significance (9). Last evaluated 2025-12-08.

Conditions:
MYBPC3-related disorder. Also called: MYBPC3-related disorders; MYBPC3-related condition; MYBPC3-related disease.
MYBPC3-related cardiomyopathy.
Cardiovascular phenotype. Identifiers: MedGen CN230736.
Cardiomyopathy (CMYO). Also called: Cardiomyopathies. Identifiers: Orphanet 167848, MedGen C0878544, MONDO:0004994, HP:0001638. Inheritance: Various modes of inheritance.
Hypertrophic cardiomyopathy. Also called: HYPERTROPHIC MYOCARDIOPATHY. Identifiers: Orphanet 217569, MedGen C0007194, MeSH D002312, MONDO:0005045, HP:0001639.

Allele frequency attached by ClinVar (database versions not stated): gnomAD 0.00001; TOPMed 0.00002.
gnomAD v4.1: 9 of 1,589,498 alleles (0.00057%); highest among the groups gnomAD compares: African/African-American, 0.0013%; no homozygotes.

Submissions (9):

Labcorp Genetics (formerly Invitae), Labcorp
Classification: Uncertain significance for Hypertrophic cardiomyopathy. Last evaluated: 2025-12-08. Review status: criteria provided, single submitter. Criteria: Invitae Variant Classification Sherloc (09022015). Collection method: clinical testing. Allele origin: germline.
Comment: This sequence change replaces glycine, which is neutral and non-polar, with serine, which is neutral and polar, at codon 407 of the MYBPC3 protein (p.Gly407Ser). This variant is not present in population databases (gnomAD no frequency). This missense change has been observed in individual(s) with dilated cardiomyopathy (PMID: 21750094, 31983221, 38254962). ClinVar contains an entry for this variant (Variation ID: 179988). An algorithm developed to predict the effect of missense changes on protein structure and function (PolyPhen-2) suggests that this variant is likely to be disruptive. In summary, the available evidence is currently insufficient to determine the role of this variant in disease. Therefore, it has been classified as a Variant of Uncertain Significance.

PreventionGenetics, part of Exact Sciences
Classification: Uncertain significance for MYBPC3-related condition. Last evaluated: 2025-04-13. Review status: criteria provided, single submitter. Criteria: ACMG Guidelines, 2015. Collection method: clinical testing. Allele origin: germline.
Comment: The MYBPC3 c.1219G>A variant is predicted to result in the amino acid substitution p.Gly407Ser. This variant has been reported in one individual with dilated cardiomyopathy; however, further clinical details were not provided (Supplementary Table 2, Waldmüller et al 2011. PubMed ID: 21750094). It has also been observed in a cohort of individuals without ischemic or an overt structural heart disease who underwent syncope or survived sudden cardiac death due to ventricular fibrillation, and reported as a variant of uncertain significance (VUS) (Vokač et al. 2024. PubMed ID: 38254962). This variant has not been reported in a large population database (gnomAD), indicating this variant is rare. Of note, other missense substitutions at the same amino acid position (p.Gly407Arg and p.Gly407Asp) have been reported in patients with MYBPC3-related disease (Coban-Akdemir et al. 2020. PubMed ID: 32233023; Supplementary Table 1, Wang et al. 2014. PubMed ID: 25132132). Although we suspect that the c.1219G>A (p.Gly407Ser) variant may be pathogenic, at this time, the clinical significance of this variant is uncertain due to the absence of conclusive functional and genetic evidence.

Ambry Genetics
Classification: Uncertain significance for Cardiovascular phenotype. Last evaluated: 2024-12-12. Review status: criteria provided, single submitter. Criteria: Ambry Variant Classification Scheme 2023. Collection method: clinical testing. Allele origin: germline.
Comment: The p.G407S variant (also known as c.1219G>A), located in coding exon 13 of the MYBPC3 gene, results from a G to A substitution at nucleotide position 1219. The glycine at codon 407 is replaced by serine, an amino acid with similar properties. This variant has been detected in a dilated cardiomyopathy cohort; however, details were limited (Waldm&uuml;ller S et al. Eur. J. Heart Fail., 2011 Nov;13:1185-92). This amino acid position is highly conserved in available vertebrate species. In addition, the in silico prediction for this alteration is inconclusive. Since supporting evidence is limited at this time, the clinical significance of this alteration remains unclear.

Color Diagnostics, LLC DBA Color Health
Classification: Uncertain significance for Cardiomyopathy. Last evaluated: 2024-04-26. Review status: criteria provided, single submitter. Criteria: ACMG Guidelines, 2015. Collection method: clinical testing. Allele origin: germline.
Comment: This missense variant replaces glycine with serine at codon 407 of the MYBPC3 protein. Computational prediction tools indicate that this variant has a neutral impact on protein structure and function. To our knowledge, functional studies have not been reported for this variant. This variant has been reported in two individuals affected with dilated cardiomyopathy (PMID: 21750094, 31983221), and in one individual affected with syncope or termination of sudden arrhythmic death (PMID: 38254962). This variant has not been identified in the general population by the Genome Aggregation Database (gnomAD). The available evidence is insufficient to determine the role of this variant in disease conclusively. Therefore, this variant is classified as a Variant of Uncertain Significance.

Women's Health and Genetics/Laboratory Corporation of America, LabCorp
Classification: Uncertain significance. Last evaluated: 2023-05-23. Review status: criteria provided, single submitter. Criteria: LabCorp Variant Classification Summary - May 2015. Collection method: clinical testing. Allele origin: germline.
Comment: Variant summary: MYBPC3 c.1219G>A (p.Gly407Ser) results in a non-conservative amino acid change located in the Immunoglobulin subtype 2 (IPR003598) of the encoded protein sequence. Three of five in-silico tools predict a damaging effect of the variant on protein function. The variant was absent in 210360 control chromosomes. The available data on variant occurrences in the general population are insufficient to allow any conclusion about variant significance. c.1219G>A has been reported in the literature in an individual affected with Dilated Cardiomyopathy (Waldmuller_2011). This report does not provide unequivocal conclusions about association of the variant with Cardiomyopathy. To our knowledge, no experimental evidence demonstrating an impact on protein function has been reported. The following publication have been ascertained in the context of this evaluation (PMID: 21750094). Three clinical diagnostic laboratories have submitted clinical-significance assessments for this variant to ClinVar after 2014 and all laboratories classified the variant as uncertain significance. Based on the evidence outlined above, the variant was classified as uncertain significance.

Clinical Genomics Laboratory, Stanford Medicine
Classification: Uncertain significance for MYBPC3-related cardiomyopathy. Last evaluated: 2022-11-02. Review status: criteria provided, single submitter. Criteria: ACMG Guidelines, 2015. Collection method: clinical testing. Allele origin: germline. Observed: 1 variant allele, 1 heterozygote.
Comment: The p.Gly407Ser variant in the MYBPC3 gene has been previously reported in an individual with dilated cardiomyopathy (PMID: 21750094). This variant was absent from large population databases, including the Genome Aggregation Database. This variant is present in ClinVar (Accession: VCV000179988.18). The glycine at position 407 is evolutionarily conserved. Computational tools predict that the p.Gly407Ser variant is neither deleterious nor benign while splicing tools predict an impact to splicing. The accuracy of in silico algorithms is limited. These data were assessed using the ACMG/AMP variant interpretation guidelines. In summary, the significance of the p.Gly407Ser variant is uncertain. Additional information is needed to resolve the significance of this variant. [ACMG evidence codes used: PM2; PP3]

Laboratory for Molecular Medicine, Mass General Brigham Personalized Medicine
Classification: Uncertain significance. Last evaluated: 2019-04-04. Review status: criteria provided, single submitter. Criteria: ACMG Guidelines, 2015. Collection method: clinical testing. Allele origin: germline.
Comment: It was absent from large population studies. Computational prediction tools and conservation analysis do not provide strong support for or against an impact to the protein. In summary, the clinical significance of the Gly407Ser variant is uncertain.

Athena Diagnostics
Classification: Uncertain significance. Last evaluated: 2018-12-28. Review status: criteria provided, single submitter. Criteria: Athena Diagnostics Criteria. Collection method: clinical testing. Allele origin: germline.

Stanford Center for Inherited Cardiovascular Disease, Stanford University
Classification: Uncertain significance. Last evaluated: 2014-09-01. Review status: criteria provided, single submitter. Criteria: ACMG Guidelines, 2015. Collection method: provider interpretation. Allele origin: germline.

Literature cited by the submitters: PubMed 21750094 (cited by 6 submitters); PubMed 31983221 (cited by 3 submitters); PubMed 38254962 (cited by Labcorp Genetics (formerly Invitae), Labcorp and Color Diagnostics, LLC DBA Color Health).

NM_000256.3(MYBPC3):c.1219G>A (p.Gly407Ser)

Gene: MYBPC3 (myosin binding protein C3; minus strand). Cytogenetic location: 11p11.2.
Variant type: single nucleotide variant.
Coding change: c.1219G>A on transcript NM_000256.3 (MANE Select); coding-DNA position 1219, G replaced by A.
Protein change: p.Gly407Ser; replaces glycine 407 with serine.
Molecular consequence: missense variant.
Genome position (GRCh38, 1-based): chr11:47,343,496, C>T on the plus strand (G>A on the coding strand, the complement: MYBPC3 is on the minus strand). VCF-style: chr11-47343496-C-T. GRCh37 (hg19) VCF-style: chr11-47365047-C-T.
Other names: short protein forms G407S.
Identifiers: ClinVar variation 179988 (VCV000179988.21), dbSNP rs727505266, ClinGen allele CA009874.